The following is an entry in ClinVar:

ClinVar aggregate classification (germline): Likely pathogenic (1 of 4 stars; one submission).

Conditions:
Intellectual developmental disorder with autistic features and language delay, with or without seizures. Identifiers: MedGen C5394447, MONDO:0030051, OMIM 618906.

Submission:

3billion
Classification: Likely pathogenic for Intellectual developmental disorder with autistic features and language delay, with or without seizures. Last evaluated: 2025-09-08. Review status: criteria provided, single submitter. Criteria: ACMG Guidelines, 2015. Collection method: clinical testing. Allele origin: germline. Affected: yes.
Comment: The variant is not observed in the gnomAD v4.1.0 dataset. Predicted Consequence/Location: Stop-gained (nonsense): predicted to result in a loss or disruption of normal protein function through nonsense-mediated decay (NMD) or protein truncation. Multiple pathogenic variants are reported downstream of the variant. The variant has been reported as of uncertain significance (PMID: 37393044). Therefore, this variant is classified as Likely pathogenic according to the recommendation of ACMG/AMP guideline.

NM_001394998.1(TANC2):c.2788C>T (p.Arg930Ter)

Genes: TANC2 (tetratricopeptide repeat, ankyrin repeat and coiled-coil containing 2; plus strand), LOC105371856 (uncharacterized LOC105371856; minus strand). Cytogenetic location: 17q23.3.
Variant type: single nucleotide variant.
Coding change: c.2788C>T on transcript NM_001394998.1 (MANE Select); coding-DNA position 2788, C replaced by T.
Protein change: p.Arg930Ter; replaces arginine 930 with a stop codon.
Molecular consequence: nonsense.
Genome position (GRCh38, 1-based): chr17:63,388,731, C>T. VCF-style: chr17-63388731-C-T. GRCh37 (hg19) VCF-style: chr17-61466092-C-T.
Other names: c.2566C>T, p.Arg856Ter (NM_001411076.1, NM_025185.4); short protein forms R856*, R930*.
Identifiers: ClinVar variation 4855187 (VCV004855187.1).